The following is an entry in ClinVar:

NM_022114.4(PRDM16):c.2336C>G (p.Pro779Arg)

Gene: PRDM16 (PR/SET domain 16; plus strand). Cytogenetic location: 1p36.32.
Variant type: single nucleotide variant.
Coding change: c.2336C>G on transcript NM_022114.4 (MANE Select); coding-DNA position 2336, C replaced by G.
Protein change: p.Pro779Arg; replaces proline 779 with arginine.
Molecular consequence: missense variant.
Genome position (GRCh38, 1-based): chr1:3,412,533, C>G. VCF-style: chr1-3412533-C-G. GRCh37 (hg19) VCF-style: chr1-3329097-C-G.
Other names: c.2336C>G, p.Pro779Arg (NM_199454.3); short protein forms P779R.
Identifiers: ClinVar variation 2862208 (VCV002862208.3), dbSNP rs1239211928, ClinGen allele CA338000166.

ClinVar aggregate classification (germline): Uncertain significance (1 of 4 stars; one submission).

Conditions:
Left ventricular noncompaction 8 (LVNC8). Identifiers: Orphanet 154, Orphanet 54260, MedGen C3809288, MONDO:0014152, OMIM 615373.

Submission:

Labcorp Genetics (formerly Invitae), Labcorp
Classification: Uncertain significance for Left ventricular noncompaction 8. Last evaluated: 2023-05-05. Review status: criteria provided, single submitter. Criteria: Invitae Variant Classification Sherloc (09022015). Collection method: clinical testing. Allele origin: germline.
Comment: In summary, the available evidence is currently insufficient to determine the role of this variant in disease. Therefore, it has been classified as a Variant of Uncertain Significance. An algorithm developed to predict the effect of missense changes on protein structure and function (PolyPhen-2) suggests that this variant is likely to be tolerated. This variant has not been reported in the literature in individuals affected with PRDM16-related conditions. This variant is not present in population databases (gnomAD no frequency). This sequence change replaces proline, which is neutral and non-polar, with arginine, which is basic and polar, at codon 779 of the PRDM16 protein (p.Pro779Arg).